The following is an entry in ClinVar:

ClinVar aggregate classification (germline): Uncertain significance (1 of 4 stars; one submission).

Conditions:
Cardiovascular phenotype. Identifiers: MedGen CN230736.

gnomAD v4.1: 2 of 1,614,256 alleles (0.00012%); highest among the groups gnomAD compares: African/African-American, 0.0013%; no homozygotes.

Submission:

Ambry Genetics
Classification: Uncertain significance for Cardiovascular phenotype. Last evaluated: 2021-09-10. Review status: criteria provided, single submitter. Criteria: Ambry Variant Classification Scheme 2023. Collection method: clinical testing. Allele origin: germline.
Comment: The p.A333V variant (also known as c.998C>T) is located in coding exon 5 of the GATA4 gene. The alanine at codon 333 is replaced by valine, an amino acid with similar properties. This change occurs in the first base pair of coding exon 5. This amino acid position is conserved. In addition, the in silico prediction for this alteration is inconclusive. Since supporting evidence is limited at this time, the clinical significance of this alteration remains unclear.

NM_001308093.3(GATA4):c.1001C>T (p.Ala334Val)

Gene: GATA4 (GATA binding protein 4). Cytogenetic location: 8p23.1.
Variant type: single nucleotide variant.
Coding change: c.1001C>T on transcript NM_001308093.3 (MANE Select); coding-DNA position 1001, C replaced by T.
Protein change: p.Ala334Val; replaces alanine 334 with valine.
Molecular consequence: missense variant.
Genome position (GRCh38, 1-based): chr8:11,756,935, C>T. VCF-style: chr8-11756935-C-T. GRCh37 (hg19) VCF-style: chr8-11614444-C-T.
Other names: c.380C>T, p.Ala127Val (NM_001308094.2, NM_001374273.1); c.254C>T, p.Ala85Val (NM_001374274.1); c.998C>T, p.Ala333Val (NM_002052.5); short protein forms A334V, A333V, A127V, A85V.
Identifiers: ClinVar variation 1768817 (VCV001768817.2), dbSNP rs1386958242, ClinGen allele CA370314719.